The following is an entry in ClinVar:

NM_002691.4(POLD1):c.405_406delinsTC (p.Ser136Pro)

Gene: POLD1 (DNA polymerase delta 1, catalytic subunit; plus strand). Cytogenetic location: 19q13.33.
Variant type: Indel.
Coding change: c.405_406delinsTC on transcript NM_002691.4 (MANE Select); coding-DNA positions 405 to 406, CT replaced by TC.
Protein change: p.Ser136Pro; replaces serine 136 with proline.
Molecular consequence: missense variant. On other transcripts: non-coding transcript variant (1).
Genome position (GRCh38, 1-based): chr19:50,401,866-50,401,867, CT replaced by TC. VCF-style: chr19-50401866-CT-TC. GRCh37 (hg19) VCF-style: chr19-50905123-CT-TC.
Other names: c.405_406delinsTC, p.Ser136Pro (NM_001256849.1, NM_001308632.1); c.405_406delinsTC (NM_002691.3); c.405_406delCTinsTC (NM_002691.2); short protein forms S136P.
Identifiers: ClinVar variation 469350 (VCV000469350.11), dbSNP rs1555789793, ClinGen allele CA658658857.

ClinVar aggregate classification (germline): Uncertain significance. Review status: criteria provided, multiple submitters, no conflicts (2 of 4 stars). 2 submissions from 2 submitters: Uncertain significance (2). Last evaluated 2025-08-19.

Conditions:
POLD1-related polyposis and colorectal cancer syndrome (CRCS10). Also called: Colorectal cancer 10; COLORECTAL CANCER, SUSCEPTIBILITY TO, ON CHROMOSOME 19q; Colorectal cancer, susceptibility to, 10. Identifiers: Orphanet 220460, MedGen C2675481, MONDO:0012953, OMIM 612591.
Hereditary cancer-predisposing syndrome. Also called: Neoplastic Syndromes, Hereditary; Hereditary neoplastic syndrome; Tumor predisposition; Hereditary Cancer Syndrome. Identifiers: Orphanet 140162, MedGen C0027672, MeSH D009386, MONDO:0015356.

Submissions (2):

Ambry Genetics
Classification: Uncertain significance for Hereditary cancer-predisposing syndrome. Last evaluated: 2025-08-19. Review status: criteria provided, single submitter. Criteria: Ambry Variant Classification Scheme 2023. Collection method: clinical testing. Allele origin: germline.
Comment: The c.405_406delCTinsTC variant, located in coding exon 3 of the POLD1 gene, results from an in-frame deletion of CT and insertion of TC at nucleotide positions 405 to 406. This results in the substitution of the serine residue for a proline residue at codon 136, an amino acid with similar properties. This amino acid position is highly conserved in available vertebrate species. Based on the available evidence, the clinical significance of this variant remains unclear.

Labcorp Genetics (formerly Invitae), Labcorp
Classification: Uncertain significance for POLD1-related polyposis and colorectal cancer syndrome. Last evaluated: 2022-12-12. Review status: criteria provided, single submitter. Criteria: Invitae Variant Classification Sherloc (09022015). Collection method: clinical testing. Allele origin: germline.
Comment: This sequence change replaces serine, which is neutral and polar, with proline, which is neutral and non-polar, at codon 136 of the POLD1 protein (p.Ser136Pro). In summary, the available evidence is currently insufficient to determine the role of this variant in disease. Therefore, it has been classified as a Variant of Uncertain Significance. Experimental studies and prediction algorithms are not available or were not evaluated, and the functional significance of this variant is currently unknown. ClinVar contains an entry for this variant (Variation ID: 469350). This variant has not been reported in the literature in individuals affected with POLD1-related conditions. Information on the frequency of this variant in the gnomAD database is not available, as this variant may be reported differently in the database.